The following is an entry in ClinVar:

NM_001161352.2(KCNMA1):c.2714C>G (p.Thr905Arg)

Genes: KCNMA1 (potassium calcium-activated channel subfamily M alpha 1; minus strand), KCNMA1-AS1 (KCNMA1 antisense RNA 1; plus strand). Cytogenetic location: 10q22.3.
Variant type: single nucleotide variant.
Coding change: c.2714C>G on transcript NM_001161352.2 (MANE Select); coding-DNA position 2714, C replaced by G.
Protein change: p.Thr905Arg; replaces threonine 905 with arginine.
Molecular consequence: missense variant.
Genome position (GRCh38, 1-based): chr10:76,944,961, G>C on the plus strand (C>G on the coding strand, the complement: KCNMA1 is on the minus strand). VCF-style: chr10-76944961-G-C. GRCh37 (hg19) VCF-style: chr10-78704719-G-C.
Other names: c.2552C>G, p.Thr851Arg (NM_001014797.3, NM_001322835.2, NM_001322837.2); c.2663C>G, p.Thr888Arg (NM_001161353.2); c.2390C>G, p.Thr797Arg (NM_001271518.2); c.2549C>G, p.Thr850Arg (NM_001271519.2, NM_001322829.2, NM_001322836.2); c.2561C>G, p.Thr854Arg (NM_001322830.2); c.2540C>G, p.Thr847Arg (NM_001322832.2, NM_002247.4); c.2087C>G, p.Thr696Arg (NM_001322838.2); short protein forms T797R, T847R, T888R, T696R, T850R, T905R, T854R, T851R.
Identifiers: ClinVar variation 952374 (VCV000952374.10), dbSNP rs201192736, ClinGen allele CA377405822.

ClinVar aggregate classification (germline): Uncertain significance (1 of 4 stars; one submission).

Conditions:
Generalized epilepsy-paroxysmal dyskinesia syndrome (PNKD3). Also called: Generalized epilepsy and paroxysmal dyskinesia; Paroxysmal nonkinesigenic dyskinesia, 3, with or without generalized epilepsy. Identifiers: Orphanet 79137, MedGen C5574945, MONDO:0012276, OMIM 609446.

Submission:

Labcorp Genetics (formerly Invitae), Labcorp
Classification: Uncertain significance for Generalized epilepsy-paroxysmal dyskinesia syndrome. Last evaluated: 2022-08-22. Review status: criteria provided, single submitter. Criteria: Invitae Variant Classification Sherloc (09022015). Collection method: clinical testing. Allele origin: germline.
Comment: In summary, the available evidence is currently insufficient to determine the role of this variant in disease. Therefore, it has been classified as a Variant of Uncertain Significance. Algorithms developed to predict the effect of sequence changes on RNA splicing suggest that this variant may create or strengthen a splice site. Algorithms developed to predict the effect of missense changes on protein structure and function are either unavailable or do not agree on the potential impact of this missense change (SIFT: "Deleterious"; PolyPhen-2: "Possibly Damaging"; Align-GVGD: "Class C15"). ClinVar contains an entry for this variant (Variation ID: 952374). This variant has not been reported in the literature in individuals affected with KCNMA1-related conditions. This variant is not present in population databases (gnomAD no frequency). This sequence change replaces threonine, which is neutral and polar, with arginine, which is basic and polar, at codon 847 of the KCNMA1 protein (p.Thr847Arg).